The following is an entry in ClinVar:

NM_001868.4(CPA1):c.1240A>G (p.Thr414Ala)

Gene: CPA1 (carboxypeptidase A1; plus strand). Cytogenetic location: 7q32.2.
Variant type: single nucleotide variant.
Coding change: c.1240A>G on transcript NM_001868.4 (MANE Select); coding-DNA position 1240, A replaced by G.
Protein change: p.Thr414Ala; replaces threonine 414 with alanine.
Molecular consequence: missense variant.
Genome position (GRCh38, 1-based): chr7:130,387,991, A>G. VCF-style: chr7-130387991-A-G. GRCh37 (hg19) VCF-style: chr7-130027832-A-G.
Other names: short protein forms T414A.
Identifiers: ClinVar variation 4006041 (VCV004006041.1).

ClinVar aggregate classification (germline): Uncertain significance (1 of 4 stars; one submission).

Conditions:
Hereditary pancreatitis (PCTT). Also called: Hereditary chronic pancreatitis; PRSS1-Related Hereditary Pancreatitis. Identifiers: Orphanet 676, MedGen C0238339, MONDO:0008185, OMIM 167800.

Submission:

Ambry Genetics
Classification: Uncertain significance for Hereditary pancreatitis. Last evaluated: 2025-06-13. Review status: criteria provided, single submitter. Criteria: Ambry Variant Classification Scheme 2023. Collection method: clinical testing. Allele origin: germline.
Comment: The p.T414A variant (also known as c.1240A>G), located in coding exon 10 of the CPA1 gene, results from an A to G substitution at nucleotide position 1240. The threonine at codon 414 is replaced by alanine, an amino acid with similar properties. This amino acid position is conserved. In addition, this alteration is predicted to be tolerated by in silico analysis. Based on the available evidence, the clinical significance of this variant remains unclear.